The following is an entry in ClinVar:

ClinVar aggregate classification (germline): Uncertain significance (1 of 4 stars; one submission).

Submission:

CeGaT Center for Human Genetics Tuebingen
Classification: Uncertain significance. Last evaluated: 2024-04-01. Review status: criteria provided, single submitter. Criteria: CeGaT Center For Human Genetics Tuebingen Variant Classification Criteria Version 2. Collection method: clinical testing. Allele origin: germline. Affected: yes. Observed: 2 variant alleles.
Comment: KMT2B: PM2, BP4

NM_014727.3(KMT2B):c.5474A>T (p.Asp1825Val)

Gene: KMT2B (lysine methyltransferase 2B; plus strand). Cytogenetic location: 19q13.12.
Variant type: single nucleotide variant.
Coding change: c.5474A>T on transcript NM_014727.3 (MANE Select); coding-DNA position 5474, A replaced by T.
Protein change: p.Asp1825Val; replaces aspartic acid 1825 with valine.
Molecular consequence: missense variant.
Genome position (GRCh38, 1-based): chr19:35,731,944, A>T. VCF-style: chr19-35731944-A-T. GRCh37 (hg19) VCF-style: chr19-36222845-A-T.
Other names: short protein forms D1825V.
Identifiers: ClinVar variation 1879433 (VCV001879433.29), dbSNP rs2513348989, ClinGen allele CA405422091.